The following is an entry in ClinVar:

NM_001145319.2(PLS1):c.801T>C (p.Ser267=)

Gene: PLS1 (plastin 1; plus strand). Cytogenetic location: 3q23.
Variant type: single nucleotide variant.
Coding change: c.801T>C on transcript NM_001145319.2 (MANE Select); coding-DNA position 801, T replaced by C.
Protein change: p.Ser267=; no amino-acid change (serine 267 retained).
Molecular consequence: synonymous variant.
Genome position (GRCh38, 1-based): chr3:142,684,308, T>C. VCF-style: chr3-142684308-T-C. GRCh37 (hg19) VCF-style: chr3-142403150-T-C.
Other names: c.801T>C, p.Ser267= (NM_001172312.2, NM_002670.3).
Identifiers: ClinVar variation 4872640 (VCV004872640.2).
Genomic context (GRCh38, chr3:142,684,308, plus strand): 5'-CTCAGCTCTGATTGCATTGTTAAATGAAGGTGAGGAACTAGAGGAGCTGATGAAGCTTTC[T>C]CCCGAGGAATTACTGCTGCGATGGGTGAACTACCATCTGACCAATGCAGGATGGCATACC-3'
Protein context (NP_001138791.1, residues 257-277): GEELEELMKL[Ser267=]PEELLLRWVN

ClinVar aggregate classification (germline): Likely benign (1 of 4 stars; one submission).

gnomAD v4.1: 2 of 1,614,110 alleles (0.00012%); highest among the groups gnomAD compares: Non-Finnish European, 0.000085%; no homozygotes.

Submission:

CeGaT Center for Human Genetics Tuebingen
Classification: Likely benign. Last evaluated: 2026-06-01. Review status: criteria provided, single submitter. Criteria: CeGaT Center For Human Genetics Tuebingen Variant Classification Criteria Version 2. Collection method: clinical testing. Allele origin: germline. Affected: yes. Observed: 1 variant allele.
Comment: PLS1: BP4, BP7